The following is an entry in ClinVar:

NC_000023.10:g.(?_46719423)_(46952346_?)del

Genes: JADE3 (jade family PHD finger 3; plus strand), RGN (regucalcin; plus strand), RP2 (RP2 activator of ARL3 GTPase; plus strand). Cytogenetic location: Xp11.23.
Variant type: Deletion.
Identifiers: ClinVar variation 831193 (VCV000831193.7).

ClinVar aggregate classification (germline): Pathogenic (1 of 4 stars; one submission).

Submission:

Labcorp Genetics (formerly Invitae), Labcorp
Classification: Pathogenic. Last evaluated: 2020-01-31. Review status: criteria provided, single submitter. Criteria: Invitae Variant Classification Sherloc (09022015). Collection method: clinical testing. Allele origin: germline.
Comment: For these reasons, this variant has been classified as Pathogenic. This variant disrupts the C-terminus of the RP2 protein. Other variant(s) that disrupt this region (deletion of exon 4, which is expected to result in a truncated protein that escapes nonsense mediated decay) have been determined to be pathogenic (PMID: 9697692, 23372056). This suggests that variants that disrupt this region of the protein are likely to be causative of disease. This variant has not been reported in the literature in individuals with RP2-related conditions. This variant is a gross deletion of the genomic region encompassing exons 3-5 of the RP2 gene. The 5' boundary is likely confined to intron 2. The 3' end of this event is unknown as it extends through the termination codon beyond the assayed region for this gene and may encompass additional genes. While this deletion is not anticipated to result in nonsense mediated decay, it is expected to create a truncated protein product or disrupt mRNA translation.

Literature cited by the submitters: PubMed 9697692; PubMed 23372056.